The following is an entry in ClinVar:

ClinVar aggregate classification (germline): Uncertain significance. Review status: reviewed by expert panel (3 of 4 stars). 7 submissions from 7 submitters: Uncertain significance (1). 6 of the submissions do not count toward it. Last evaluated 2025-10-06.

Conditions:
IDUA-related disorder. Also called: IDUA-related condition.
Mucopolysaccharidosis type 1. Also called: IDUA deficiency; MPS I; Mucopolysaccharidosis Type I. Identifiers: Orphanet 579, MedGen C0023786, MONDO:0001586.

Allele frequency attached by ClinVar (database versions not stated): gnomAD 0.00011 and 0.00018; gnomAD exomes 0.00020 and 0.00022; ExAC 0.00028; 1000 Genomes Project 30x 0.00047; TOPMed 0.00021.
gnomAD v4.1: 281 of 1,431,084 alleles (0.02%); highest among the groups gnomAD compares: East Asian, 0.5%; 2 homozygotes.

Submissions (7):

ClinGen Lysosomal Storage Disorder Variant Curation Expert Panel
Classification: Uncertain significance for Mucopolysaccharidosis type 1. Last evaluated: 2025-10-06. Review status: reviewed by expert panel. Criteria: ClinGen LSD ACMG Specifications IDUA V1.1.0. Collection method: curation. Allele origin: germline. Inheritance: Autosomal recessive inheritance.
Comment: The NM_000203.4:c.76G>A variant in IDUA is a missense variant predicted to cause substitution of Alanine by Threonine at amino acid 26 (p.Ala26Thr). PP4 is not met as there is only one entry of this variant. There is no phenotypic or family history data provided. The infant was compound heterozygous, phase unconfirmed, for the variant and another variant in IDUA that is classified as pathogenic by the ClinGen LD VCEP, c.911delT (p.V304fs) (ClinVarID: 1184991) (PMID: 29801497). Since disease status is unknown in this infant, PM3 is not met. The computational predictor REVEL gives a score of 0.264 which is below the threshold of 0.29, evidence that does not predict a damaging effect on IDUA function (PMID: 36413997)(BP4). The highest population minor allele frequency in gnomAD v4.1.0 is 0.0004 (31/69978 alleles) in the South Asian population. This is higher than the ClinGen Lysosomal Diseases VCEP’s threshold for PM2_Supporting (<0.00025), and lower than the threshold for BS1 (>0.0025). Therefore, none of the population data codes are met. In summary, this variant meets the criteria to be classified as a variant of uncertain significance (VUS) for MPS I based on the IDUA-specific ACMG/AMP criteria applied, as specified by the ClinGen Lysosomal Diseases Variant Curation Expert panel (Specifications Version 1.1.0): BP4 (Classification approved by the ClinGen Lysosomal Diseases Variant Curation Expert Panel on October 6, 2025)

Labcorp Genetics (formerly Invitae), Labcorp
Classification: Likely benign for Mucopolysaccharidosis type 1. Last evaluated: 2026-01-25. Review status: criteria provided, single submitter. Criteria: Invitae Variant Classification Sherloc (09022015). Collection method: clinical testing. Allele origin: germline. Not counted in ClinVar's aggregate classification.

PreventionGenetics, part of Exact Sciences
Classification: Likely benign for IDUA-related condition. Last evaluated: 2025-06-20. Review status: criteria provided, single submitter. Criteria: ACMG Guidelines, 2015. Collection method: clinical testing. Allele origin: germline. Not counted in ClinVar's aggregate classification.
Comment: This variant is classified as likely benign based on ACMG/AMP sequence variant interpretation guidelines (Richards et al. 2015 PMID: 25741868, with internal and published modifications).

Mayo Clinic Laboratories, Mayo Clinic
Classification: Uncertain significance. Last evaluated: 2021-09-16. Review status: criteria provided, single submitter. Criteria: ACMG Guidelines, 2015. Collection method: clinical testing. Allele origin: germline. Not counted in ClinVar's aggregate classification.

GeneDx
Classification: Uncertain significance. Last evaluated: 2020-08-18. Review status: criteria provided, single submitter. Criteria: GeneDx Variant Classification Process June 2021. Collection method: clinical testing. Allele origin: germline. Affected: yes. Not counted in ClinVar's aggregate classification.
Comment: Has not been previously published as pathogenic or benign to our knowledge; In silico analysis, which includes protein predictors and evolutionary conservation, supports that this variant does not alter protein structure/function

Illumina Laboratory Services, Illumina
Classification: Uncertain significance for Mucopolysaccharidosis type 1. Last evaluated: 2017-04-27. Review status: criteria provided, single submitter. Criteria: ICSL Variant Classification Criteria 13 December 2019. Collection method: clinical testing. Allele origin: germline. Not counted in ClinVar's aggregate classification.

Natera, Inc.
Classification: Likely benign for Mucopolysaccharidosis type I. Last evaluated: 2018-04-30. Review status: no assertion criteria provided. Collection method: clinical testing. Allele origin: germline. Not counted in ClinVar's aggregate classification.

NM_000203.5(IDUA):c.76G>A (p.Ala26Thr)

Genes: IDUA (alpha-L-iduronidase; plus strand), SLC26A1 (solute carrier family 26 member 1; minus strand). Cytogenetic location: 4p16.3.
Variant type: single nucleotide variant.
Coding change: c.76G>A on transcript NM_000203.5 (MANE Select); coding-DNA position 76, G replaced by A.
Protein change: p.Ala26Thr; replaces alanine 26 with threonine.
Molecular consequence: missense variant. On other transcripts: non-coding transcript variant (1), intron variant (1).
Genome position (GRCh38, 1-based): chr4:987,160, G>A. VCF-style: chr4-987160-G-A. GRCh37 (hg19) VCF-style: chr4-980948-G-A.
Other names: p.Ala26Thr; NM_000203.5(IDUA):c.76G>A; c.576+3968C>T (NM_134425.4); short protein forms A26T.
Identifiers: ClinVar variation 712785 (VCV000712785.30), dbSNP rs746809894, ClinGen allele CA2801110.